The following is an entry in ClinVar:

NM_032581.4(HYCC1):c.1220G>A (p.Arg407Gln)

Gene: HYCC1 (hyccin PI4KA lipid kinase complex subunit 1; minus strand). Cytogenetic location: 7p15.3.
Variant type: single nucleotide variant.
Coding change: c.1220G>A on transcript NM_032581.4 (MANE Select); coding-DNA position 1220, G replaced by A.
Protein change: p.Arg407Gln; replaces arginine 407 with glutamine.
Molecular consequence: missense variant. On other transcripts: 3 prime UTR variant (2).
Genome position (GRCh38, 1-based): chr7:22,945,935, C>T on the plus strand (G>A on the coding strand, the complement: HYCC1 is on the minus strand). VCF-style: chr7-22945935-C-T. GRCh37 (hg19) VCF-style: chr7-22985554-C-T.
Other names: c.*256G>A (NM_001363466.2); c.*214G>A (NM_001363467.2); short protein forms R407Q.
Identifiers: ClinVar variation 359771 (VCV000359771.9), dbSNP rs753315808, ClinGen allele CA4185760.
Genomic context (GRCh38, chr7:22,945,935, plus strand): 5'-GTAAGTCTCTTCAAAGAGAGAAGCTCAAGATTCTCACTTTGGGCTCTCTGAGTTTGTTTT[C>T]GAGCAAAGTGATCTTTGCAAGATTCCCCTGTAGTTTCTTTTTCTTTTCCTCCAGTTTTGC-3'
Protein context (NP_115970.2, residues 397-417): TGESCKDHFA[Arg407Gln]KQTQRAQSEN

ClinVar aggregate classification (germline): Conflicting classifications of pathogenicity. Review status: criteria provided, conflicting classifications (1 of 4 stars). 3 submissions from 3 submitters: Uncertain significance (2); Likely benign (1). Last evaluated 2022-09-07.

Conditions:
Hypomyelination and Congenital Cataract (HLD5). Also called: hypomyelinating leukodystrophy 5. Identifiers: Orphanet 85163, MedGen C1864663, MONDO:0012514, OMIM 610532.
Inborn genetic diseases. Identifiers: MedGen C0950123, MeSH D030342.

Allele frequency attached by ClinVar (database versions not stated): gnomAD 0.00011; TOPMed 0.00012; ExAC 0.00021; gnomAD exomes 0.00024.
gnomAD v4.1: 94 of 1,613,726 alleles (0.0058%); highest among the groups gnomAD compares: Admixed American, 0.12%; no homozygotes.

Submissions (3):

Labcorp Genetics (formerly Invitae), Labcorp
Classification: Uncertain significance for Hypomyelination and Congenital Cataract. Last evaluated: 2022-09-07. Review status: criteria provided, single submitter. Criteria: Invitae Variant Classification Sherloc (09022015). Collection method: clinical testing. Allele origin: germline.
Comment: This sequence change replaces arginine, which is basic and polar, with glutamine, which is neutral and polar, at codon 407 of the FAM126A protein (p.Arg407Gln). This variant is present in population databases (rs753315808, gnomAD 0.1%). This variant has not been reported in the literature in individuals affected with FAM126A-related conditions. ClinVar contains an entry for this variant (Variation ID: 359771). Algorithms developed to predict the effect of missense changes on protein structure and function are either unavailable or do not agree on the potential impact of this missense change (SIFT: "Tolerated"; PolyPhen-2: "Probably Damaging"; Align-GVGD: "Class C0"). In summary, the available evidence is currently insufficient to determine the role of this variant in disease. Therefore, it has been classified as a Variant of Uncertain Significance.

Ambry Genetics
Classification: Likely benign for Inborn genetic diseases. Last evaluated: 2022-05-26. Review status: criteria provided, single submitter. Criteria: Ambry Variant Classification Scheme 2023. Collection method: clinical testing. Allele origin: germline.

Illumina Laboratory Services, Illumina
Classification: Uncertain significance for Hypomyelination and Congenital Cataract. Last evaluated: 2018-01-12. Review status: criteria provided, single submitter. Criteria: ICSL Variant Classification Criteria 13 December 2019. Collection method: clinical testing. Allele origin: germline.